The following is an entry in ClinVar:

ClinVar aggregate classification (germline): Uncertain significance (1 of 4 stars; one submission).

Submission:

Ambry Genetics
Classification: Uncertain significance. Last evaluated: 2023-06-12. Review status: criteria provided, single submitter. Criteria: Ambry Variant Classification Scheme 2023. Collection method: clinical testing. Allele origin: germline.
Comment: The c.53_66del14 (p.P18Rfs*102) alteration, located in exon 1 (coding exon 1) of the CYS1 gene, consists of a deletion of 14 nucleotides from position 53 to 66, causing a translational frameshift with a predicted alternate stop codon after 102 amino acids. This alteration is not expected to trigger nonsense-mediated mRNA decay; however, it impacts 89% of the protein. The exact functional effect of this alteration is unknown. This variant was not reported in population-based cohorts in the Genome Aggregation Database (gnomAD). Based on insufficient or conflicting evidence, the clinical significance of this alteration remains unclear.

NM_001037160.3(CYS1):c.53_66del (p.Pro18fs)

Genes: CYS1 (cystin 1; minus strand), LOC129933088 (ATAC-STARR-seq lymphoblastoid silent region 11155; plus strand). Cytogenetic location: 2p25.1.
Variant type: Deletion.
Coding change: c.53_66del on transcript NM_001037160.3 (MANE Select); coding-DNA positions 53 to 66, 14 bases deleted (CCGAGAGCCTCCCC).
Protein change: p.Pro18fs; shifts the reading frame from proline 18.
Molecular consequence: frameshift variant.
Genome position (GRCh38, 1-based): chr2:10,080,158-10,080,171, GGGGAGGCTCTCGG deleted on the plus strand (CCGAGAGCCTCCCC on the coding strand, the reverse complement: CYS1 is on the minus strand); deleting any 14 consecutive bases within chr2:10,080,158-10,080,173 gives the same sequence; the c. name uses the placement nearest the transcript's 3' end. VCF-style (leftmost placement, unchanged base first): chr2-10080157-CGGGGAGGCTCTCGG-C. GRCh37 (hg19) VCF-style: chr2-10220284-CGGGGAGGCTCTCGG-C.
Other names: short protein forms P18fs.
Identifiers: ClinVar variation 2522695 (VCV002522695.2), dbSNP rs2527767997, ClinGen allele CA2580611592.